The following is an entry in ClinVar:

NM_031935.3(HMCN1):c.6251T>A (p.Val2084Glu)

Gene: HMCN1 (hemicentin 1; plus strand). Cytogenetic location: 1q31.1.
Variant type: single nucleotide variant.
Coding change: c.6251T>A on transcript NM_031935.3 (MANE Select); coding-DNA position 6251, T replaced by A.
Protein change: p.Val2084Glu; replaces valine 2084 with glutamic acid.
Molecular consequence: missense variant.
Genome position (GRCh38, 1-based): chr1:186,041,083, T>A. VCF-style: chr1-186041083-T-A. GRCh37 (hg19) VCF-style: chr1-186010215-T-A.
Other names: short protein forms V2084E.
Identifiers: ClinVar variation 3006815 (VCV003006815.3), dbSNP rs750533990, ClinGen allele CA1292510.

ClinVar aggregate classification (germline): Uncertain significance (1 of 4 stars; one submission).

Allele frequency attached by ClinVar (database versions not stated): gnomAD exomes below 0.00001; ExAC 0.00001.
gnomAD v4.1: 2 of 1,613,014 alleles (0.00012%); highest among the groups gnomAD compares: Admixed American, 0.0017%; no homozygotes.

Submission:

Labcorp Genetics (formerly Invitae), Labcorp
Classification: Uncertain significance. Last evaluated: 2022-12-07. Review status: criteria provided, single submitter. Criteria: Invitae Variant Classification Sherloc (09022015). Collection method: clinical testing. Allele origin: germline.
Comment: In summary, the available evidence is currently insufficient to determine the role of this variant in disease. Therefore, it has been classified as a Variant of Uncertain Significance. This variant is present in population databases (rs750533990, gnomAD 0.003%). This variant has not been reported in the literature in individuals affected with HMCN1-related conditions. This sequence change replaces valine, which is neutral and non-polar, with glutamic acid, which is acidic and polar, at codon 2084 of the HMCN1 protein (p.Val2084Glu). Algorithms developed to predict the effect of missense changes on protein structure and function are either unavailable or do not agree on the potential impact of this missense change (SIFT: "Deleterious"; PolyPhen-2: "Probably Damaging"; Align-GVGD: "Class C0").